The following is an entry in ClinVar:

NM_205861.3(DHDDS):c.962G>A (p.Arg321Gln)

Gene: DHDDS (dehydrodolichyl diphosphate synthase subunit; plus strand). Cytogenetic location: 1p36.11.
Variant type: single nucleotide variant.
Coding change: c.962G>A on transcript NM_205861.3 (MANE Select); coding-DNA position 962, G replaced by A.
Protein change: p.Arg321Gln; replaces arginine 321 with glutamine.
Molecular consequence: missense variant.
Genome position (GRCh38, 1-based): chr1:26,469,091, G>A. VCF-style: chr1-26469091-G-A. GRCh37 (hg19) VCF-style: chr1-26795582-G-A.
Other names: c.860G>A, p.Arg287Gln (NM_001243564.2); c.845G>A, p.Arg282Gln (NM_001243565.2); c.683G>A, p.Arg228Gln (NM_001319959.2); c.965G>A, p.Arg322Gln (NM_024887.4); short protein forms R287Q, R228Q, R282Q, R321Q, R322Q.
Identifiers: ClinVar variation 972226 (VCV000972226.9), dbSNP rs562974074, ClinGen allele CA705501.

ClinVar aggregate classification (germline): Uncertain significance. Review status: criteria provided, multiple submitters, no conflicts (2 of 4 stars). 3 submissions from 3 submitters: Uncertain significance (2). 1 of the submissions does not count toward it. Last evaluated 2026-01-05.

Conditions:
Retinitis pigmentosa 59 (RP59). Identifiers: Orphanet 791, MedGen C3151227, MONDO:0013468, OMIM 613861.

Allele frequency attached by ClinVar (database versions not stated): gnomAD below 0.00001 and 0.00001; TOPMed 0.00002; gnomAD exomes 0.00004 and 0.00009; ExAC 0.00011; 1000 Genomes Project 30x 0.00016; 1000 Genomes Project 0.00020.
gnomAD v4.1: 70 of 1,613,144 alleles (0.0043%); highest among the groups gnomAD compares: South Asian, 0.055%; no homozygotes.

Submissions (3):

Labcorp Genetics (formerly Invitae), Labcorp
Classification: Uncertain significance for Retinitis pigmentosa 59. Last evaluated: 2026-01-05. Review status: criteria provided, single submitter. Criteria: Invitae Variant Classification Sherloc (09022015). Collection method: clinical testing. Allele origin: germline.
Comment: This sequence change replaces arginine, which is basic and polar, with glutamine, which is neutral and polar, at codon 322 of the DHDDS protein (p.Arg322Gln). This variant is present in population databases (rs562974074, gnomAD 0.07%). This variant has not been reported in the literature in individuals affected with DHDDS-related conditions. ClinVar contains an entry for this variant (Variation ID: 972226). An algorithm developed to predict the effect of missense changes on protein structure and function (PolyPhen-2) suggests that this variant is likely to be tolerated. In summary, the available evidence is currently insufficient to determine the role of this variant in disease. Therefore, it has been classified as a Variant of Uncertain Significance.

Blueprint Genetics
Classification: Uncertain significance. Last evaluated: 2023-12-19. Review status: criteria provided, single submitter. Criteria: ACMG Guidelines, 2015. Collection method: clinical testing. Allele origin: germline.

Natera, Inc.
Classification: Uncertain significance for Retinitis pigmentosa type 59. Last evaluated: 2020-01-17. Review status: no assertion criteria provided. Collection method: clinical testing. Allele origin: germline. Not counted in ClinVar's aggregate classification.